The following is an entry in ClinVar:

ClinVar aggregate classification (germline): Uncertain significance (1 of 4 stars; one submission).

Allele frequency attached by ClinVar (database versions not stated): gnomAD exomes 0.00001.
gnomAD v4.1: 12 of 1,613,402 alleles (0.00074%); highest among the groups gnomAD compares: Non-Finnish European, 0.001%; no homozygotes.

Submission:

Labcorp Genetics (formerly Invitae), Labcorp
Classification: Uncertain significance. Last evaluated: 2025-08-25. Review status: criteria provided, single submitter. Criteria: Invitae Variant Classification Sherloc (09022015). Collection method: clinical testing. Allele origin: germline.
Comment: This sequence change replaces threonine, which is neutral and polar, with lysine, which is basic and polar, at codon 137 of the TGFB1 protein (p.Thr137Lys). This variant is present in population databases (no rsID available, gnomAD 0.002%). This variant has not been reported in the literature in individuals affected with TGFB1-related conditions. ClinVar contains an entry for this variant (Variation ID: 2706096). Invitae Evidence Modeling of protein sequence and biophysical properties (such as structural, functional, and spatial information, amino acid conservation, physicochemical variation, residue mobility, and thermodynamic stability) indicates that this missense variant is not expected to disrupt TGFB1 protein function with a negative predictive value of 80%. In summary, the available evidence is currently insufficient to determine the role of this variant in disease. Therefore, it has been classified as a Variant of Uncertain Significance.

NM_000660.7(TGFB1):c.410C>A (p.Thr137Lys)

Gene: TGFB1 (transforming growth factor beta 1; minus strand). Cytogenetic location: 19q13.2.
Variant type: single nucleotide variant.
Coding change: c.410C>A on transcript NM_000660.7 (MANE Select); coding-DNA position 410, C replaced by A.
Protein change: p.Thr137Lys; replaces threonine 137 with lysine.
Molecular consequence: missense variant.
Genome position (GRCh38, 1-based): chr19:41,348,401, G>T on the plus strand (C>A on the coding strand, the complement: TGFB1 is on the minus strand). VCF-style: chr19-41348401-G-T. GRCh37 (hg19) VCF-style: chr19-41854306-G-T.
Other names: short protein forms T137K.
Identifiers: ClinVar variation 2706096 (VCV002706096.3), dbSNP rs1453070595, ClinGen allele CA406003710.
Genomic context (GRCh38, chr19:41,348,401, plus strand): 5'-AGACGCAGCTCTGCCCGGGAGAGCAACACGGGTTCAGGTACCGCTTCTCGGAGCTCTGAT[G>T]TGTTGAAGAACATATATATGCTGTGTGTACTCTGCTTGAACTTGTCATAGATTTCTAGCA-3'
Protein context (NP_000651.3, residues 127-147): STHSIYMFFN[Thr137Lys]SELREAVPEP